The following is an entry in ClinVar:

ClinVar aggregate classification (germline): Uncertain significance (1 of 4 stars; one submission).

Allele frequency attached by ClinVar (database versions not stated): gnomAD exomes below 0.00001.
gnomAD v4.1: 3 of 1,613,968 alleles (0.00019%); highest among the groups gnomAD compares: Non-Finnish European, 0.00025%; no homozygotes.

Submission:

CeGaT Center for Human Genetics Tuebingen
Classification: Uncertain significance. Last evaluated: 2023-01-01. Review status: criteria provided, single submitter. Criteria: CeGaT Center For Human Genetics Tuebingen Variant Classification Criteria Version 2. Collection method: clinical testing. Allele origin: germline. Affected: yes. Observed: 1 variant allele.
Comment: BPTF: PM2, BP4

NM_182641.4(BPTF):c.5810G>A (p.Ser1937Asn)

Gene: BPTF (bromodomain PHD finger transcription factor; plus strand). Cytogenetic location: 17q24.2.
Variant type: single nucleotide variant.
Coding change: c.5810G>A on transcript NM_182641.4 (MANE Select); coding-DNA position 5810, G replaced by A.
Protein change: p.Ser1937Asn; replaces serine 1937 with asparagine.
Molecular consequence: missense variant.
Genome position (GRCh38, 1-based): chr17:67,928,413, G>A. VCF-style: chr17-67928413-G-A. GRCh37 (hg19) VCF-style: chr17-65924529-G-A.
Other names: c.6188G>A, p.Ser2063Asn (NM_004459.7); short protein forms S1937N, S2063N.
Identifiers: ClinVar variation 2648144 (VCV002648144.24), dbSNP rs2511974935, ClinGen allele CA400716908.